The following is an entry in ClinVar:

NM_139058.3(ARX):c.1300GCC[9] (p.Ala439_Ala440dup)

Gene: ARX (aristaless related homeobox; minus strand). Cytogenetic location: Xp21.3.
Variant type: Microsatellite.
Coding change: c.1300GCC[9] on transcript NM_139058.3 (MANE Select); nine copies in a row of the 3-base unit GCC starting at c.1300; the reference has seven copies in a row; two copies, 6 bases duplicated.
Protein change: p.Ala439_Ala440dup.
Molecular consequence: inframe insertion.
Genome position (GRCh38, 1-based): chrX:25,007,239-25,007,244, GGCGGC duplicated on the plus strand (GCCGCC on the coding strand, the reverse complement: ARX is on the minus strand); duplicating any 6 consecutive bases within chrX:25,007,239-25,007,259 gives the same sequence; the position shown is the placement nearest the transcript's 3' end. VCF-style (leftmost placement, unchanged base first): chrX-25007238-A-AGGCGGC. GRCh37 (hg19) VCF-style: chrX-25025355-A-AGGCGGC.
Identifiers: ClinVar variation 516395 (VCV000516395.46), dbSNP rs398124508, ClinGen allele CA515947029.

ClinVar aggregate classification (germline): Conflicting classifications of pathogenicity. Review status: criteria provided, conflicting classifications (1 of 4 stars). 4 submissions from 4 submitters: Uncertain significance (2); Benign (1); Likely benign (1). Last evaluated 2026-01-01.

Conditions:
Inborn genetic diseases. Identifiers: MedGen C0950123, MeSH D030342.
Intellectual disability, X-linked, with or without seizures, ARX-related. Also called: Mental retardation, X-linked 52; INTELLECTUAL DEVELOPMENTAL DISORDER, X-LINKED 29; MENTAL RETARDATION, X-LINKED 29; MENTAL RETARDATION, X-LINKED 32; MENTAL RETARDATION, X-LINKED 33; MENTAL RETARDATION, X-LINKED 38. Identifiers: Orphanet 777, MedGen C0796244, MONDO:0010317, OMIM 300419.
Developmental and epileptic encephalopathy, 1 (DEE1). Also called: X-linked infantile spasms; West's syndrome; Tonic spasms with clustering, arrest of psychomotor development and hypsarrhythmia on EEG; X-Linked Infantile Spasm Syndrome; Epileptic encephalopathy, early infantile, 1; OHTAHARA SYNDROME, X-LINKED. Identifiers: MedGen C3463992, MONDO:0010632, OMIM 308350. Disease mechanism: loss of function.

Submissions (4):

CeGaT Center for Human Genetics Tuebingen
Classification: Likely benign. Last evaluated: 2026-01-01. Review status: criteria provided, single submitter. Criteria: CeGaT Center For Human Genetics Tuebingen Variant Classification Criteria Version 2. Collection method: clinical testing. Allele origin: germline. Affected: yes. Observed: 2 variant alleles.
Comment: ARX: BS2

Labcorp Genetics (formerly Invitae), Labcorp
Classification: Uncertain significance for Developmental and epileptic encephalopathy, 1; Intellectual disability, X-linked, with or without seizures, ARX-related. Last evaluated: 2025-05-26. Review status: criteria provided, single submitter. Criteria: Invitae Variant Classification Sherloc (09022015). Collection method: clinical testing. Allele origin: germline.
Comment: This variant, c.1315_1320dup, results in the insertion of 2 amino acid(s) of the ARX protein (p.Ala439_Ala440dup), but otherwise preserves the integrity of the reading frame. This variant is present in population databases (no rsID available, gnomAD 0.01%), including at least one homozygous and/or hemizygous individual. This variant has been observed in individuals with clinical features of epileptic encephalopathy (internal data). Experimental studies and prediction algorithms are not available or were not evaluated, and the functional significance of this variant is currently unknown. In summary, the available evidence is currently insufficient to determine the role of this variant in disease. Therefore, it has been classified as a Variant of Uncertain Significance.

Ambry Genetics
Classification: Uncertain significance for Inborn genetic diseases. Last evaluated: 2022-02-10. Review status: criteria provided, single submitter. Criteria: Ambry Variant Classification Scheme 2023. Collection method: clinical testing. Allele origin: germline.
Comment: The c.1315_1320dupGCCGCC (p.A439_A440dup) alteration is located in exon 4 (coding exon 4) of the ARX gene. The alteration consists of an in-frame duplication of 6 nucleotides from position 1315 to 1320, resulting in the duplication of <NA> residues. Based on insufficient or conflicting evidence, the clinical significance of this alteration remains unclear.

GeneDx
Classification: Benign. Last evaluated: 2020-06-10. Review status: criteria provided, single submitter. Criteria: GeneDx Variant Classification Process June 2021. Collection method: clinical testing. Allele origin: germline. Affected: yes.
Comment: This variant is associated with the following publications: (PMID: 30496128)